The following is an entry in ClinVar:

ClinVar aggregate classification (germline): Uncertain significance. Review status: criteria provided, multiple submitters, no conflicts (2 of 4 stars). 3 submissions from 3 submitters: Uncertain significance (3). Last evaluated 2026-01-07.

Conditions:
Inborn genetic diseases. Identifiers: MedGen C0950123, MeSH D030342.
Acute myeloid leukemia (AML). Also called: Leukemia, acute myeloid, somatic; Leukemia, acute myelogenous, somatic; Acute myeloid leukemia, adult; AML adult; Acute non-lymphocytic leukemia; Acute granulocytic leukemia. Identifiers: Orphanet 519, MedGen C0023467, MeSH D015470, MONDO:0018874, OMIM 601626, HP:0004808. Disease mechanism: Constitutively activated FLT3.

Submissions (3):

Ambry Genetics
Classification: Uncertain significance for Inborn genetic diseases. Last evaluated: 2026-01-07. Review status: criteria provided, single submitter. Criteria: Ambry Variant Classification Scheme 2023. Collection method: clinical testing. Allele origin: germline.
Comment: The p.E329K variant (also known as c.985G>A), located in coding exon 1 of the CEBPA gene, results from a G to A substitution at nucleotide position 985. The glutamic acid at codon 329 is replaced by lysine, an amino acid with similar properties. This amino acid position is highly conserved in available vertebrate species. In addition, this alteration is predicted to be tolerated by in silico analysis. Based on the available evidence, the clinical significance of this variant remains unclear.

Baylor Genetics
Classification: Uncertain significance for Acute myeloid leukemia. Last evaluated: 2024-03-17. Review status: criteria provided, single submitter. Criteria: ACMG Guidelines, 2015. Collection method: clinical testing. Allele origin: unknown.

Labcorp Genetics (formerly Invitae), Labcorp
Classification: Uncertain significance for Acute myeloid leukemia. Last evaluated: 2018-06-06. Review status: criteria provided, single submitter. Criteria: Invitae Variant Classification Sherloc (09022015). Collection method: clinical testing. Allele origin: germline.
Comment: In summary, the available evidence is currently insufficient to determine the role of this variant in disease. Therefore, it has been classified as a Variant of Uncertain Significance. Algorithms developed to predict the effect of missense changes on protein structure and function are either unavailable or do not agree on the potential impact of this missense change (SIFT: "Tolerated"; PolyPhen-2: "Possibly Damaging"; Align-GVGD: "Class C0"). This variant has not been reported in the literature in individuals with CEBPA-related disease. This variant is not present in population databases (ExAC no frequency). This sequence change replaces glutamic acid with lysine at codon 329 of the CEBPA protein (p.Glu329Lys). The glutamic acid residue is highly conserved and there is a small physicochemical difference between glutamic acid and lysine.

NM_004364.5(CEBPA):c.985G>A (p.Glu329Lys)

Gene: CEBPA (CCAAT enhancer binding protein alpha; minus strand). Cytogenetic location: 19q13.11.
Variant type: single nucleotide variant.
Coding change: c.985G>A on transcript NM_004364.5 (MANE Select); coding-DNA position 985, G replaced by A.
Protein change: p.Glu329Lys; replaces glutamic acid 329 with lysine.
Molecular consequence: missense variant.
Genome position (GRCh38, 1-based): chr19:33,301,430, C>T on the plus strand (G>A on the coding strand, the complement: CEBPA is on the minus strand). VCF-style: chr19-33301430-C-T. GRCh37 (hg19) VCF-style: chr19-33792336-C-T.
Other names: c.628G>A, p.Glu210Lys (NM_001285829.2); c.1090G>A, p.Glu364Lys (NM_001287424.2); c.943G>A, p.Glu315Lys (NM_001287435.2); c.985G>A (NM_004364.3); short protein forms E329K, E315K, E210K, E364K.
Identifiers: ClinVar variation 574012 (VCV000574012.11), dbSNP rs1568419162, ClinGen allele CA405273781.
Genomic context (GRCh38, chr19:33,301,430, plus strand): 5'-AGCTCTCTGGCAGCTGGCGGAAGATGCCCCGCAGCGTGTCCAGTTCGCGGCTCAGCTGTT[C>T]CACCCGCTTGCGCAGGCGGTCATTGTCACTGGTCAGCTCCAGCACCTTCTGCTGCGTCTC-3'
Protein context (NP_004355.2, residues 319-339): SDNDRLRKRV[Glu329Lys]QLSRELDTLR